The following is an entry in ClinVar:

ClinVar aggregate classification (germline): Pathogenic (1 of 4 stars; one submission).

Conditions:
Methylmalonic aciduria, cblA type (MACA). Also called: Methylmalonic aciduria, vitamin B12-responsive; Vitamin B12-responsive methylmalonic acidemia type cblA; Methylmalonic aciduria, vitamin b12-responsive, due to defect in synthesis of adenosylcobalamin, cbla complementation type; MMA cbl A type; Methylmalonic acidemia cblA type. Identifiers: Orphanet 28, Orphanet 79310, MedGen C1855109, MONDO:0009613, OMIM 251100.

Submission:

Labcorp Genetics (formerly Invitae), Labcorp
Classification: Pathogenic for Methylmalonic aciduria, cblA type. Last evaluated: 2022-07-05. Review status: criteria provided, single submitter. Criteria: Invitae Variant Classification Sherloc (09022015). Collection method: clinical testing. Allele origin: germline.
Comment: For these reasons, this variant has been classified as Pathogenic. This variant has not been reported in the literature in individuals affected with MMAA-related conditions. A gross deletion of the genomic region encompassing the full coding sequence of the MMAA gene has been identified. Loss-of-function variants in MMAA are known to be pathogenic (PMID: 15523652, 15781192). The boundaries of this event are unknown as they extend beyond the assayed region for this gene and therefore may encompass additional genes.

Literature cited by the submitters: PubMed 15523652; PubMed 15781192.

NC_000004.11:g.(?_146560292)_(149358012_?)del

Genes: TTC29 (tetratricopeptide repeat domain 29; minus strand), PRMT9 (protein arginine methyltransferase 9; minus strand), ARHGAP10 (Rho GTPase activating protein 10; plus strand), SLC10A7 (solute carrier family 10 member 7; minus strand), C4orf51 (chromosome 4 open reading frame 51; plus strand) and 7 more. Cytogenetic location: 4q31.21-31.23.
Variant type: Deletion.
Identifiers: ClinVar variation 1455428 (VCV001455428.5).